The following is an entry in ClinVar:

NM_001365088.1(SLC12A6):c.1682T>C (p.Val561Ala)

Gene: SLC12A6 (solute carrier family 12 member 6; minus strand). Cytogenetic location: 15q14.
Variant type: single nucleotide variant.
Coding change: c.1682T>C on transcript NM_001365088.1 (MANE Select); coding-DNA position 1682, T replaced by C.
Protein change: p.Val561Ala; replaces valine 561 with alanine.
Molecular consequence: missense variant.
Genome position (GRCh38, 1-based): chr15:34,245,835, A>G on the plus strand (T>C on the coding strand, the complement: SLC12A6 is on the minus strand). VCF-style: chr15-34245835-A-G. GRCh37 (hg19) VCF-style: chr15-34538036-A-G.
Other names: c.1505T>C, p.Val502Ala (NM_001042494.2, NM_001042495.2); c.1655T>C, p.Val552Ala (NM_001042496.2); c.1637T>C, p.Val546Ala (NM_001042497.2); c.1529T>C, p.Val510Ala (NM_005135.2); c.1682T>C, p.Val561Ala (NM_133647.2); short protein forms V502A, V510A, V561A, V546A, V552A.
Identifiers: ClinVar variation 2179092 (VCV002179092.5), dbSNP rs984059975, ClinGen allele CA268666507.
Genomic context (GRCh38, chr15:34,245,835, plus strand): 5'-CATGTTGAAAAGAAGGAGCCAATAACAATCACCCATGGGGATGGCCAAGATAAGGTGCCT[A>G]CCACCAAATTACCTTTCACAGCATCACCGAACCTGGGAAAGAAATAGGAGTGGGAAATTT-3'
Protein context (NP_001352017.1, residues 551-571): FGDAVKGNLV[Val561Ala]GTLSWPSPWV

ClinVar aggregate classification (germline): Uncertain significance. Review status: criteria provided, multiple submitters, no conflicts (2 of 4 stars). 3 submissions from 3 submitters: Uncertain significance (3). Last evaluated 2024-12-04.

Conditions:
Inborn genetic diseases. Identifiers: MedGen C0950123, MeSH D030342.

Allele frequency attached by ClinVar (database versions not stated): gnomAD exomes 0.00001; TOPMed 0.00001.
gnomAD v4.1: 9 of 1,613,602 alleles (0.00056%); highest among the groups gnomAD compares: Non-Finnish European, 0.00076%; no homozygotes.

Submissions (3):

GeneDx
Classification: Uncertain significance. Last evaluated: 2024-12-04. Review status: criteria provided, single submitter. Criteria: GeneDx Variant Classification Process June 2021. Collection method: clinical testing. Allele origin: germline. Affected: yes.
Comment: Reported previously in a patient with autism spectrum disorder, moderate intellectual disability, joint laxity, and coarse facial features (PMID: 31038196); Not observed at significant frequency in large population cohorts (gnomAD); In silico analysis supports that this missense variant has a deleterious effect on protein structure/function; This variant is associated with the following publications: (PMID: 31038196)

Labcorp Genetics (formerly Invitae), Labcorp
Classification: Uncertain significance. Last evaluated: 2024-11-21. Review status: criteria provided, single submitter. Criteria: Invitae Variant Classification Sherloc (09022015). Collection method: clinical testing. Allele origin: germline.
Comment: This sequence change replaces valine, which is neutral and non-polar, with alanine, which is neutral and non-polar, at codon 561 of the SLC12A6 protein (p.Val561Ala). This variant is not present in population databases (gnomAD no frequency). This variant has not been reported in the literature in individuals affected with SLC12A6-related conditions. ClinVar contains an entry for this variant (Variation ID: 2179092). Invitae Evidence Modeling of protein sequence and biophysical properties (such as structural, functional, and spatial information, amino acid conservation, physicochemical variation, residue mobility, and thermodynamic stability) indicates that this missense variant is not expected to disrupt SLC12A6 protein function with a negative predictive value of 80%. In summary, the available evidence is currently insufficient to determine the role of this variant in disease. Therefore, it has been classified as a Variant of Uncertain Significance.

Ambry Genetics
Classification: Uncertain significance for Inborn genetic diseases. Last evaluated: 2021-04-28. Review status: criteria provided, single submitter. Criteria: Ambry Variant Classification Scheme 2023. Collection method: clinical testing. Allele origin: germline.
Comment: The c.1682T>C (p.V561A) alteration is located in exon 13 (coding exon 13) of the SLC12A6 gene. This alteration results from a T to C substitution at nucleotide position 1682, causing the valine (V) at amino acid position 561 to be replaced by an alanine (A). The p.V561A alteration is predicted to be deleterious by in silico analysis. Based on insufficient or conflicting evidence, the clinical significance of this alteration remains unclear.